The following is an entry in ClinVar:

NM_004629.2(FANCG):c.777+10G>A

Gene: FANCG (FA complementation group G; minus strand). Cytogenetic location: 9p13.3.
Variant type: single nucleotide variant.
Coding change: c.777+10G>A on transcript NM_004629.2 (MANE Select); 10 bases into the intron after coding-DNA position 777, G replaced by A.
Molecular consequence: intron variant.
Genome position (GRCh38, 1-based): chr9:35,076,961, C>T on the plus strand (G>A on the coding strand, the complement: FANCG is on the minus strand). VCF-style: chr9-35076961-C-T. GRCh37 (hg19) VCF-style: chr9-35076958-C-T.
Other names: c.777+10G>A (NM_004629.1).
Identifiers: ClinVar variation 1083794 (VCV001083794.11), dbSNP rs374991414, ClinGen allele CA1123172438.

ClinVar aggregate classification (germline): Likely benign. Review status: criteria provided, single submitter (1 of 4 stars). 2 submissions from 2 submitters: Likely benign (1). 1 of the submissions does not count toward it. Last evaluated 2023-03-04.

Conditions:
Fanconi anemia (FA). Also called: Fanconi's anemia. Identifiers: Orphanet 84, MedGen C0015625, MeSH D005199, MONDO:0019391.
FANCG-related disorder. Also called: FANCG-related condition.

Allele frequency attached by ClinVar (database versions not stated): gnomAD exomes below 0.00001.

Submissions (2):

Labcorp Genetics (formerly Invitae), Labcorp
Classification: Likely benign for Fanconi anemia. Last evaluated: 2023-03-04. Review status: criteria provided, single submitter. Criteria: Invitae Variant Classification Sherloc (09022015). Collection method: clinical testing. Allele origin: germline.

PreventionGenetics, part of Exact Sciences
Classification: Likely benign for FANCG-related condition. Last evaluated: 2021-05-26. Review status: no assertion criteria provided. Collection method: clinical testing. Allele origin: germline. Not counted in ClinVar's aggregate classification.
Comment: This variant is classified as likely benign based on ACMG/AMP sequence variant interpretation guidelines (Richards et al. 2015 PMID: 25741868, with internal and published modifications).